The following is an entry in ClinVar:

NM_004560.4(ROR2):c.1495G>C (p.Glu499Gln)

Gene: ROR2 (receptor tyrosine kinase like orphan receptor 2; minus strand). Cytogenetic location: 9q22.31.
Variant type: single nucleotide variant.
Coding change: c.1495G>C on transcript NM_004560.4 (MANE Select); coding-DNA position 1495, G replaced by C.
Protein change: p.Glu499Gln; replaces glutamic acid 499 with glutamine.
Molecular consequence: missense variant.
Genome position (GRCh38, 1-based): chr9:91,724,999, C>G on the plus strand (G>C on the coding strand, the complement: ROR2 is on the minus strand). VCF-style: chr9-91724999-C-G. GRCh37 (hg19) VCF-style: chr9-94487281-C-G.
Other names: short protein forms E499Q.
Identifiers: ClinVar variation 2986789 (VCV002986789.3), dbSNP rs201405338, ClinGen allele CA5120669.
Genomic context (GRCh38, chr9:91,724,999, plus strand): 5'-CCCGCAGGGGCCCCTCCGCTTTGTCCTTCAGCGTTTTGATGGCCACAGCCTGGGTCTGCT[C>G]CCCCGGGGCAGGGCCGAACAGGTGACCTTTGTAGACTTTCCCAAACCGGTCCTCTCCCAG-3'
Protein context (NP_004551.2, residues 489-509): KGHLFGPAPG[Glu499Gln]QTQAVAIKTL

ClinVar aggregate classification (germline): Uncertain significance (1 of 4 stars; one submission).

Allele frequency attached by ClinVar (database versions not stated): TOPMed 0.00003; 1000 Genomes Project 30x 0.00031; 1000 Genomes Project 0.00040; gnomAD 0.00002; gnomAD exomes 0.00002; ESP Exome Variant Server 0.00008; ExAC 0.00005.
gnomAD v4.1: 33 of 1,613,720 alleles (0.002%); highest among the groups gnomAD compares: Non-Finnish European, 0.0026%; no homozygotes.

Submission:

Labcorp Genetics (formerly Invitae), Labcorp
Classification: Uncertain significance. Last evaluated: 2025-04-08. Review status: criteria provided, single submitter. Criteria: Invitae Variant Classification Sherloc (09022015). Collection method: clinical testing. Allele origin: germline.
Comment: This sequence change replaces glutamic acid, which is acidic and polar, with glutamine, which is neutral and polar, at codon 499 of the ROR2 protein (p.Glu499Gln). This variant is present in population databases (rs201405338, gnomAD 0.006%). This variant has not been reported in the literature in individuals affected with ROR2-related conditions. ClinVar contains an entry for this variant (Variation ID: 2986789). Invitae Evidence Modeling of protein sequence and biophysical properties (such as structural, functional, and spatial information, amino acid conservation, physicochemical variation, residue mobility, and thermodynamic stability) indicates that this missense variant is not expected to disrupt ROR2 protein function with a negative predictive value of 80%. In summary, the available evidence is currently insufficient to determine the role of this variant in disease. Therefore, it has been classified as a Variant of Uncertain Significance.